The following is an entry in ClinVar:

ClinVar aggregate classification (germline): Uncertain significance. Review status: criteria provided, multiple submitters, no conflicts (2 of 4 stars). 2 submissions from 2 submitters: Uncertain significance (2). Last evaluated 2025-07-15.

Conditions:
Inborn genetic diseases. Identifiers: MedGen C0950123, MeSH D030342.

Allele frequency attached by ClinVar (database versions not stated): gnomAD exomes 0.00001; ExAC 0.00002; TOPMed 0.00002; gnomAD 0.00003; ESP Exome Variant Server 0.00008.
gnomAD v4.1: 25 of 1,602,894 alleles (0.0016%); highest among the groups gnomAD compares: African/African-American, 0.011%; no homozygotes.

Submissions (2):

Ambry Genetics
Classification: Uncertain significance for Inborn genetic diseases. Last evaluated: 2025-07-15. Review status: criteria provided, single submitter. Criteria: Ambry Variant Classification Scheme 2023. Collection method: clinical testing. Allele origin: germline.

Labcorp Genetics (formerly Invitae), Labcorp
Classification: Uncertain significance. Last evaluated: 2022-08-09. Review status: criteria provided, single submitter. Criteria: Invitae Variant Classification Sherloc (09022015). Collection method: clinical testing. Allele origin: germline.
Comment: This sequence change replaces arginine, which is basic and polar, with cysteine, which is neutral and slightly polar, at codon 276 of the TSFM protein (p.Arg276Cys). This variant is present in population databases (rs138408553, gnomAD 0.03%). This variant has not been reported in the literature in individuals affected with TSFM-related conditions. Algorithms developed to predict the effect of missense changes on protein structure and function are either unavailable or do not agree on the potential impact of this missense change (SIFT: "Deleterious"; PolyPhen-2: "Probably Damaging"; Align-GVGD: "Class C0"). In summary, the available evidence is currently insufficient to determine the role of this variant in disease. Therefore, it has been classified as a Variant of Uncertain Significance.

NM_005726.6(TSFM):c.763C>T (p.Arg255Cys)

Gene: TSFM (Ts translation elongation factor, mitochondrial; plus strand). Cytogenetic location: 12q14.1.
Variant type: single nucleotide variant.
Coding change: c.763C>T on transcript NM_005726.6 (MANE Select); coding-DNA position 763, C replaced by T.
Protein change: p.Arg255Cys; replaces arginine 255 with cysteine.
Molecular consequence: missense variant. On other transcripts: 3 prime UTR variant (1), intron variant (1).
Genome position (GRCh38, 1-based): chr12:57,796,368, C>T. VCF-style: chr12-57796368-C-T. GRCh37 (hg19) VCF-style: chr12-58190151-C-T.
Other names: c.*171C>T (NM_001172695.2); c.826C>T, p.Arg276Cys (NM_001172696.2); c.571+3295C>T (NM_001172697.2); short protein forms R276C, R255C.
Identifiers: ClinVar variation 1898204 (VCV001898204.4), dbSNP rs138408553, ClinGen allele CA6659441.